The following is an entry in ClinVar:

ClinVar aggregate classification (germline): Uncertain significance. Review status: criteria provided, multiple submitters, no conflicts (2 of 4 stars). 3 submissions from 3 submitters: Uncertain significance (3). Last evaluated 2025-12-15.

Conditions:
Inborn genetic diseases. Identifiers: MedGen C0950123, MeSH D030342.

Allele frequency attached by ClinVar (database versions not stated): TOPMed below 0.00001; gnomAD 0.00001.
gnomAD v4.1: 5 of 1,614,062 alleles (0.00031%); highest among the groups gnomAD compares: Non-Finnish European, 0.00042%; no homozygotes.

Submissions (3):

Ambry Genetics
Classification: Uncertain significance for Inborn genetic diseases. Last evaluated: 2025-12-15. Review status: criteria provided, single submitter. Criteria: Ambry Variant Classification Scheme 2023. Collection method: clinical testing. Allele origin: germline.

Dasa
Classification: Uncertain significance. Last evaluated: 2025-07-13. Review status: criteria provided, single submitter. Criteria: DASA Assertion Criteria. Collection method: clinical testing. Allele origin: germline.
Comment: NM_007289.4(MME):c.72G>T (p.Trp24Cys) is a missense variant that results in the substitution of tryptophan with cysteine. This variant is rare in population databases. The currently available literature and clinical evidence are not sufficient to establish a definitive association between this variant and the reported condition. Therefore, this variant is classified as a variant of uncertain significance.

Labcorp Genetics (formerly Invitae), Labcorp
Classification: Uncertain significance. Last evaluated: 2022-05-21. Review status: criteria provided, single submitter. Criteria: Invitae Variant Classification Sherloc (09022015). Collection method: clinical testing. Allele origin: germline.
Comment: In summary, the available evidence is currently insufficient to determine the role of this variant in disease. Therefore, it has been classified as a Variant of Uncertain Significance. Algorithms developed to predict the effect of missense changes on protein structure and function are either unavailable or do not agree on the potential impact of this missense change (SIFT: "Deleterious"; PolyPhen-2: "Probably Damaging"; Align-GVGD: "Class C0"). This variant has not been reported in the literature in individuals affected with MME-related conditions. This variant is not present in population databases (gnomAD no frequency). This sequence change replaces tryptophan, which is neutral and slightly polar, with cysteine, which is neutral and slightly polar, at codon 24 of the MME protein (p.Trp24Cys).

NM_007289.4(MME):c.72G>T (p.Trp24Cys)

Gene: MME (membrane metalloendopeptidase; plus strand). Cytogenetic location: 3q25.2.
Variant type: single nucleotide variant.
Coding change: c.72G>T on transcript NM_007289.4 (MANE Select); coding-DNA position 72, G replaced by T.
Protein change: p.Trp24Cys; replaces tryptophan 24 with cysteine.
Molecular consequence: missense variant.
Genome position (GRCh38, 1-based): chr3:155,084,239, G>T. VCF-style: chr3-155084239-G-T. GRCh37 (hg19) VCF-style: chr3-154802028-G-T.
Other names: c.72G>T (NM_007289.2); c.72G>T, p.Trp24Cys (NM_000902.5, NM_001354642.2, NM_001354643.1 and 3 more transcripts); short protein forms W24C.
Identifiers: ClinVar variation 1498342 (VCV001498342.9), dbSNP rs199920139, ClinGen allele CA85827925.
Genomic context (GRCh38, chr3:155,084,239, plus strand): 5'-AGAAAGTCAGATGGATATAACTGATATCAACACTCCAAAGCCAAAGAAGAAACAGCGATG[G>T]ACTCCACTGGAGATCAGCCTCTCGGTCCTTGTCCTGCTCCTCACCATCATAGCTGTGACA-3'
Protein context (NP_009220.2, residues 14-34): NTPKPKKKQR[Trp24Cys]TPLEISLSVL